The following is an entry in ClinVar:

NM_003982.4(SLC7A7):c.499+1G>A

Gene: SLC7A7 (solute carrier family 7 member 7; minus strand). Cytogenetic location: 14q11.2.
Variant type: single nucleotide variant.
Coding change: c.499+1G>A on transcript NM_003982.4 (MANE Select); the canonical splice donor site of the intron after coding-DNA position 499, G replaced by A.
Molecular consequence: splice donor variant.
Genome position (GRCh38, 1-based): chr14:22,812,899, C>T on the plus strand (G>A on the coding strand, the complement: SLC7A7 is on the minus strand). VCF-style: chr14-22812899-C-T. GRCh37 (hg19) VCF-style: chr14-23282108-C-T.
Other names: c.499+1G>A (NM_001126106.4, NM_001126105.3, NM_001126106.2).
Identifiers: ClinVar variation 56369 (VCV000056369.6), dbSNP rs386833817, ClinGen allele CA263823.

ClinVar aggregate classification (germline): Pathogenic. Review status: criteria provided, single submitter (1 of 4 stars). 2 submissions from 2 submitters: Pathogenic (1). 1 of the submissions does not count toward it. Last evaluated 2020-09-15.

Conditions:
Lysinuric protein intolerance (LPI). Identifiers: Orphanet 470, MedGen C0268647, MONDO:0009109, OMIM 222700.

Allele frequency attached by ClinVar (database versions not stated): ExAC below 0.00001.

Submissions (2):

Revvity Omics, Revvity
Classification: Pathogenic for Lysinuric protein intolerance. Last evaluated: 2020-09-15. Review status: criteria provided, single submitter. Criteria: ACMG Guidelines, 2015. Collection method: clinical testing. Allele origin: germline.

Juha Muilu Group; Institute for Molecular Medicine Finland (FIMM)
Classification: Likely pathogenic for Lysinuric protein intolerance. Review status: no assertion criteria provided. Collection method: not provided. Allele origin: unknown. Not counted in ClinVar's aggregate classification.
Comment: FinDis database variant: This variant was not found or characterized by our laboratory, data were collected from public sources: see reference
ClinVar note: Converted during submission from probable-pathogenic to Likely pathogenic.